The following is an entry in ClinVar:

NM_000632.4(ITGAM):c.1032C>A (p.Ser344Arg)

Gene: ITGAM (integrin subunit alpha M; plus strand). Cytogenetic location: 16p11.2.
Variant type: single nucleotide variant.
Coding change: c.1032C>A on transcript NM_000632.4 (MANE Select); coding-DNA position 1032, C replaced by A.
Protein change: p.Ser344Arg; replaces serine 344 with arginine.
Molecular consequence: missense variant.
Genome position (GRCh38, 1-based): chr16:31,276,693, C>A. VCF-style: chr16-31276693-C-A. GRCh37 (hg19) VCF-style: chr16-31288014-C-A.
Other names: c.1032C>A (NM_000632.3); c.1032C>A, p.Ser344Arg (NM_001145808.2); short protein forms S344R.
Identifiers: ClinVar variation 1500909 (VCV001500909.7), dbSNP rs778809073, ClinGen allele CA280605921.

ClinVar aggregate classification (germline): Uncertain significance. Review status: criteria provided, multiple submitters, no conflicts (2 of 4 stars). 2 submissions from 2 submitters: Uncertain significance (2). Last evaluated 2025-10-29.

Allele frequency attached by ClinVar (database versions not stated): gnomAD 0.00001.
gnomAD v4.1: 4 of 1,611,930 alleles (0.00025%); highest among the groups gnomAD compares: Admixed American, 0.0017%; no homozygotes.

Submissions (2):

Ambry Genetics
Classification: Uncertain significance. Last evaluated: 2025-10-29. Review status: criteria provided, single submitter. Criteria: Ambry Variant Classification Scheme 2023. Collection method: clinical testing. Allele origin: germline.

Labcorp Genetics (formerly Invitae), Labcorp
Classification: Uncertain significance. Last evaluated: 2021-11-27. Review status: criteria provided, single submitter. Criteria: Invitae Variant Classification Sherloc (09022015). Collection method: clinical testing. Allele origin: germline.
Comment: This sequence change replaces serine, which is neutral and polar, with arginine, which is basic and polar, at codon 344 of the ITGAM protein (p.Ser344Arg). This variant is not present in population databases (gnomAD no frequency). In summary, the available evidence is currently insufficient to determine the role of this variant in disease. Therefore, it has been classified as a Variant of Uncertain Significance. Algorithms developed to predict the effect of missense changes on protein structure and function (SIFT, PolyPhen-2, Align-GVGD) all suggest that this variant is likely to be disruptive. This variant has not been reported in the literature in individuals affected with ITGAM-related conditions.